The following is an entry in ClinVar:

ClinVar aggregate classification (germline): Uncertain significance (1 of 4 stars; one submission).

Conditions:
Hereditary cancer-predisposing syndrome. Also called: Neoplastic Syndromes, Hereditary; Tumor predisposition; Hereditary Cancer Syndrome; Hereditary neoplastic syndrome. Identifiers: Orphanet 140162, MedGen C0027672, MeSH D009386, MONDO:0015356.

Submission:

Ambry Genetics
Classification: Uncertain significance for Hereditary cancer-predisposing syndrome. Last evaluated: 2024-09-18. Review status: criteria provided, single submitter. Criteria: Ambry Variant Classification Scheme 2023. Collection method: clinical testing. Allele origin: germline.
Comment: The p.E837D variant (also known as c.2511A>C), located in coding exon 24 of the RB1 gene, results from an A to C substitution at nucleotide position 2511. The glutamic acid at codon 837 is replaced by aspartic acid, an amino acid with highly similar properties. This amino acid position is conserved. In addition, the in silico prediction for this alteration is inconclusive. Based on the available evidence, the clinical significance of this variant remains unclear.

NM_000321.3(RB1):c.2511A>C (p.Glu837Asp)

Gene: RB1 (RB transcriptional corepressor 1; plus strand). Cytogenetic location: 13q14.2.
Variant type: single nucleotide variant.
Coding change: c.2511A>C on transcript NM_000321.3 (MANE Select); coding-DNA position 2511, A replaced by C.
Protein change: p.Glu837Asp; replaces glutamic acid 837 with aspartic acid.
Molecular consequence: missense variant.
Genome position (GRCh38, 1-based): chr13:48,473,381, A>C. VCF-style: chr13-48473381-A-C. GRCh37 (hg19) VCF-style: chr13-49047517-A-C.
Other names: c.2511A>C, p.Glu837Asp (NM_001407165.1); short protein forms E837D.
Identifiers: ClinVar variation 3430887 (VCV003430887.1).